The following is an entry in ClinVar:

ClinVar aggregate classification (germline): Likely benign (1 of 4 stars; one submission).

Allele frequency attached by ClinVar (database versions not stated): gnomAD exomes below 0.00001.
gnomAD v4.1: 3 of 1,613,998 alleles (0.00019%); highest among the groups gnomAD compares: Admixed American, 0.0033%; no homozygotes.

Submission:

GeneDx
Classification: Likely benign. Last evaluated: 2023-02-06. Review status: criteria provided, single submitter. Criteria: GeneDx Variant Classification Process June 2021. Collection method: clinical testing. Allele origin: germline. Affected: yes.
Comment: See Variant Classification Assertion Criteria.

NM_030632.3(ASXL3):c.6496A>G (p.Arg2166Gly)

Gene: ASXL3 (ASXL transcriptional regulator 3; plus strand). Cytogenetic location: 18q12.1.
Variant type: single nucleotide variant.
Coding change: c.6496A>G on transcript NM_030632.3 (MANE Select); coding-DNA position 6496, A replaced by G.
Protein change: p.Arg2166Gly; replaces arginine 2166 with glycine.
Molecular consequence: missense variant.
Genome position (GRCh38, 1-based): chr18:33,746,344, A>G. VCF-style: chr18-33746344-A-G. GRCh37 (hg19) VCF-style: chr18-31326308-A-G.
Other names: short protein forms R2166G.
Identifiers: ClinVar variation 2429516 (VCV002429516.1), dbSNP rs1357436151, ClinGen allele CA402197006.